The following is an entry in ClinVar:

NM_173728.4(ARHGEF15):c.1624C>T (p.Pro542Ser)

Gene: ARHGEF15 (Rho guanine nucleotide exchange factor 15; plus strand). Cytogenetic location: 17p13.1.
Variant type: single nucleotide variant.
Coding change: c.1624C>T on transcript NM_173728.4 (MANE Select); coding-DNA position 1624, C replaced by T.
Protein change: p.Pro542Ser; replaces proline 542 with serine.
Molecular consequence: missense variant.
Genome position (GRCh38, 1-based): chr17:8,316,068, C>T. VCF-style: chr17-8316068-C-T. GRCh37 (hg19) VCF-style: chr17-8219386-C-T.
Other names: c.1624C>T, p.Pro542Ser (NM_025014.2); short protein forms P542S.
Identifiers: ClinVar variation 2064342 (VCV002064342.4), dbSNP rs2543940865, ClinGen allele CA398021281.

ClinVar aggregate classification (germline): Uncertain significance (1 of 4 stars; one submission).

Conditions:
Early-infantile DEE. Also called: Early infantile epileptic encephalopathy with suppression bursts; Early infantile epileptic encephalopathy; Ohtahara syndrome. Identifiers: Orphanet 1934, MedGen C0393706, MONDO:0800491.

Submission:

Labcorp Genetics (formerly Invitae), Labcorp
Classification: Uncertain significance for Early-infantile DEE. Last evaluated: 2022-08-10. Review status: criteria provided, single submitter. Criteria: Invitae Variant Classification Sherloc (09022015). Collection method: clinical testing. Allele origin: germline.
Comment: In summary, the available evidence is currently insufficient to determine the role of this variant in disease. Therefore, it has been classified as a Variant of Uncertain Significance. Algorithms developed to predict the effect of missense changes on protein structure and function (SIFT, PolyPhen-2, Align-GVGD) all suggest that this variant is likely to be disruptive. This variant has not been reported in the literature in individuals affected with ARHGEF15-related conditions. This variant is not present in population databases (gnomAD no frequency). This sequence change replaces proline, which is neutral and non-polar, with serine, which is neutral and polar, at codon 542 of the ARHGEF15 protein (p.Pro542Ser).